The following is an entry in ClinVar:

ClinVar aggregate classification (germline): Uncertain significance (1 of 4 stars; one submission).

Conditions:
Cardiovascular phenotype. Identifiers: MedGen CN230736.

Allele frequency attached by ClinVar (database versions not stated): gnomAD exomes below 0.00001.
gnomAD v4.1: 5 of 1,534,340 alleles (0.00033%); highest among the groups gnomAD compares: African/African-American, 0.0028%; no homozygotes.

Submission:

Ambry Genetics
Classification: Uncertain significance for Cardiovascular phenotype. Last evaluated: 2023-04-09. Review status: criteria provided, single submitter. Criteria: Ambry Variant Classification Scheme 2023. Collection method: clinical testing. Allele origin: germline.
Comment: The p.R3344Q variant (also known as c.10031G>A), located in coding exon 2 of the ZNF469 gene, results from a G to A substitution at nucleotide position 10031. The arginine at codon 3344 is replaced by glutamine, an amino acid with highly similar properties. This amino acid position is conserved. In addition, this alteration is predicted to be tolerated by in silico analysis. Since supporting evidence is limited at this time, the clinical significance of this alteration remains unclear.

NM_001367624.2(ZNF469):c.10115G>A (p.Arg3372Gln)

Genes: ZNF469 (zinc finger protein 469; plus strand), LOC130059719 (ATAC-STARR-seq lymphoblastoid silent region 7848; plus strand). Cytogenetic location: 16q24.2.
Variant type: single nucleotide variant.
Coding change: c.10115G>A on transcript NM_001367624.2 (MANE Select); coding-DNA position 10115, G replaced by A.
Protein change: p.Arg3372Gln; replaces arginine 3372 with glutamine.
Molecular consequence: missense variant.
Genome position (GRCh38, 1-based): chr16:88,437,585, G>A. VCF-style: chr16-88437585-G-A. GRCh37 (hg19) VCF-style: chr16-88503993-G-A.
Other names: NM_001127464.1:c.10031G>A; short protein forms R3372Q.
Identifiers: ClinVar variation 2564221 (VCV002564221.2), dbSNP rs1329268796, ClinGen allele CA397125739.